The following is an entry in ClinVar:

ClinVar aggregate classification (germline): Likely benign (1 of 4 stars; one submission).

Allele frequency attached by ClinVar (database versions not stated): 1000 Genomes Project 30x 0.00156; 1000 Genomes Project 0.00160; ExAC 0.00408; gnomAD 0.00427; TOPMed 0.00450; gnomAD exomes 0.00729; ESP Exome Variant Server 0.00761.
gnomAD v4.1: 11,186 of 1,614,102 alleles (0.69%); highest among the groups gnomAD compares: Non-Finnish European, 0.89%; 53 homozygotes.

Submission:

CeGaT Center for Human Genetics Tuebingen
Classification: Likely benign. Last evaluated: 2022-07-01. Review status: criteria provided, single submitter. Criteria: CeGaT Center For Human Genetics Tuebingen Variant Classification Criteria Version 2. Collection method: clinical testing. Allele origin: germline. Affected: yes. Observed: 1 variant allele.
Comment: DOP1B: BP4, BP7

NM_001320714.2(DOP1B):c.4527C>T (p.Pro1509=)

Gene: DOP1B (DOP1 leucine zipper like protein B; plus strand). Cytogenetic location: 21q22.12.
Variant type: single nucleotide variant.
Coding change: c.4527C>T on transcript NM_001320714.2 (MANE Select); coding-DNA position 4527, C replaced by T.
Protein change: p.Pro1509=; no amino-acid change (proline 1509 retained).
Molecular consequence: synonymous variant.
Genome position (GRCh38, 1-based): chr21:36,246,507, C>T. VCF-style: chr21-36246507-C-T. GRCh37 (hg19) VCF-style: chr21-37618805-C-T.
Other names: c.4527C>T, p.Pro1509= (NM_005128.4).
Identifiers: ClinVar variation 2652644 (VCV002652644.24), dbSNP rs117952108, ClinGen allele CA10017148.